The following is an entry in ClinVar:

NM_014225.6(PPP2R1A):c.1571C>T (p.Thr524Met)

Genes: PPP2R1A (protein phosphatase 2 scaffold subunit Aalpha; plus strand), LOC126862924 (BRD4-independent group 4 enhancer GRCh37_chr19:52724813-52726012; plus strand). Cytogenetic location: 19q13.41.
Variant type: single nucleotide variant.
Coding change: c.1571C>T on transcript NM_014225.6 (MANE Select); coding-DNA position 1571, C replaced by T.
Protein change: p.Thr524Met; replaces threonine 524 with methionine.
Molecular consequence: missense variant. On other transcripts: non-coding transcript variant (1).
Genome position (GRCh38, 1-based): chr19:52,222,151, C>T. VCF-style: chr19-52222151-C-T. GRCh37 (hg19) VCF-style: chr19-52725404-C-T.
Other names: c.1034C>T, p.Thr345Met (NM_001363656.2); short protein forms T345M, T524M.
Identifiers: ClinVar variation 3001173 (VCV003001173.3), dbSNP rs747537922, ClinGen allele CA9621636.
Genomic context (GRCh38, chr19:52,222,151, plus strand): 5'-GCCCCCAGGTGCTGTCTGAGGTCTGTGGGCAGGACATCACCACCAAGCACATGCTACCCA[C>T]GGTTCTGCGCATGGCTGGGGACCCGGTTGCCAATGTCCGCTTCAATGTGGCCAAGTCTCT-3'
Protein context (NP_055040.2, residues 514-534): QDITTKHMLP[Thr524Met]VLRMAGDPVA

ClinVar aggregate classification (germline): Uncertain significance (1 of 4 stars; one submission).

Allele frequency attached by ClinVar (database versions not stated): ExAC 0.00001.

Submission:

Labcorp Genetics (formerly Invitae), Labcorp
Classification: Uncertain significance. Last evaluated: 2023-10-16. Review status: criteria provided, single submitter. Criteria: Invitae Variant Classification Sherloc (09022015). Collection method: clinical testing. Allele origin: germline.
Comment: This sequence change replaces threonine, which is neutral and polar, with methionine, which is neutral and non-polar, at codon 524 of the PPP2R1A protein (p.Thr524Met). This variant is present in population databases (rs747537922, gnomAD 0.003%). This variant has not been reported in the literature in individuals affected with PPP2R1A-related conditions. Advanced modeling of protein sequence and biophysical properties (such as structural, functional, and spatial information, amino acid conservation, physicochemical variation, residue mobility, and thermodynamic stability) performed at Invitae indicates that this missense variant is not expected to disrupt PPP2R1A protein function. In summary, the available evidence is currently insufficient to determine the role of this variant in disease. Therefore, it has been classified as a Variant of Uncertain Significance.